The following is an entry in ClinVar:

NM_147127.5(EVC2):c.689G>A (p.Ser230Asn)

Gene: EVC2 (EvC ciliary complex subunit 2; minus strand). Cytogenetic location: 4p16.2.
Variant type: single nucleotide variant.
Coding change: c.689G>A on transcript NM_147127.5 (MANE Select); coding-DNA position 689, G replaced by A.
Protein change: p.Ser230Asn; replaces serine 230 with asparagine.
Molecular consequence: missense variant.
Genome position (GRCh38, 1-based): chr4:5,689,174, C>T on the plus strand (G>A on the coding strand, the complement: EVC2 is on the minus strand). VCF-style: chr4-5689174-C-T. GRCh37 (hg19) VCF-style: chr4-5690901-C-T.
Other names: c.689G>A (NM_147127.4); c.449G>A, p.Ser150Asn (NM_001166136.2); short protein forms S230N, S150N.
Identifiers: ClinVar variation 2140329 (VCV002140329.4), dbSNP rs200479891, ClinGen allele CA2835369.
Genomic context (GRCh38, chr4:5,689,174, plus strand): 5'-ATTCTCATTTGTCATCCCTGACTTCAGAACGCTTTGCTGTTACCTTGCAGAAACTTCTTG[C>T]TAAAAGCCTGGAATCCTTCCGAGGTCCTGTTTCCCACAGAGTCCCAAATGGTGAGACCAG-3'
Protein context (NP_667338.3, residues 220-240): NRTSEGFQAF[Ser230Asn]KKFLQVGDAF

ClinVar aggregate classification (germline): Uncertain significance. Review status: criteria provided, single submitter (1 of 4 stars). 2 submissions from 2 submitters: Uncertain significance (1). 1 of the submissions does not count toward it. Last evaluated 2024-10-08.

Conditions:
EVC2-related disorder. Also called: EVC2-related condition.
Curry-Hall syndrome (WAD). Also called: WEYERS ACRODENTAL DYSOSTOSIS. Identifiers: Orphanet 952, MedGen C0457013, MONDO:0008673, OMIM 193530.
Ellis-van Creveld syndrome (EVC). Also called: MESOECTODERMAL DYSPLASIA; EVC-Related Ellis-van Creveld Syndrome; EVC2-Related Ellis-van Creveld Syndrome; Chondroectodermal dysplasia. Identifiers: Orphanet 289, MedGen C0013903, MONDO:0009162, OMIM 225500.

Allele frequency attached by ClinVar (database versions not stated): gnomAD exomes 0.00001; ExAC 0.00003; gnomAD 0.00010; TOPMed 0.00011; 1000 Genomes Project 0.00020; 1000 Genomes Project 30x 0.00031.
gnomAD v4.1: 34 of 1,614,170 alleles (0.0021%); highest among the groups gnomAD compares: African/African-American, 0.044%; no homozygotes.

Submissions (2):

Labcorp Genetics (formerly Invitae), Labcorp
Classification: Uncertain significance for Curry-Hall syndrome; Ellis-van Creveld syndrome. Last evaluated: 2024-10-08. Review status: criteria provided, single submitter. Criteria: Invitae Variant Classification Sherloc (09022015). Collection method: clinical testing. Allele origin: germline.
Comment: This sequence change replaces serine, which is neutral and polar, with asparagine, which is neutral and polar, at codon 230 of the EVC2 protein (p.Ser230Asn). This variant is present in population databases (rs200479891, gnomAD 0.03%). This variant has not been reported in the literature in individuals affected with EVC2-related conditions. ClinVar contains an entry for this variant (Variation ID: 2140329). An algorithm developed to predict the effect of missense changes on protein structure and function (PolyPhen-2) suggests that this variant¬¨‚Ä†is likely to be tolerated. In summary, the available evidence is currently insufficient to determine the role of this variant in disease. Therefore, it has been classified as a Variant of Uncertain Significance.

PreventionGenetics, part of Exact Sciences
Classification: Uncertain significance for EVC2-related condition. Last evaluated: 2024-01-26. Review status: no assertion criteria provided. Collection method: clinical testing. Allele origin: germline. Not counted in ClinVar's aggregate classification.
Comment: The EVC2 c.689G>A variant is predicted to result in the amino acid substitution p.Ser230Asn. To our knowledge, this variant has not been reported in the literature. This variant is reported in 0.031% of alleles in individuals of African descent in gnomAD. At this time, the clinical significance of this variant is uncertain due to the absence of conclusive functional and genetic evidence.